The following is an entry in ClinVar:

NM_017410.3(HOXC13):c.291G>A (p.Pro97=)

Genes: HOXC13 (homeobox C13; plus strand), HOXC13-AS (HOXC13 antisense RNA; minus strand). Cytogenetic location: 12q13.13.
Variant type: single nucleotide variant.
Coding change: c.291G>A on transcript NM_017410.3 (MANE Select); coding-DNA position 291, G replaced by A.
Protein change: p.Pro97=; no amino-acid change (proline 97 retained).
Molecular consequence: synonymous variant.
Genome position (GRCh38, 1-based): chr12:53,939,197, G>A. VCF-style: chr12-53939197-G-A. GRCh37 (hg19) VCF-style: chr12-54332981-G-A.
Identifiers: ClinVar variation 3250596 (VCV003250596.18), dbSNP rs779691824.

ClinVar aggregate classification (germline): Likely benign (1 of 4 stars; one submission).

gnomAD v4.1: 4 of 1,526,864 alleles (0.00026%); highest among the groups gnomAD compares: South Asian, 0.0024%; no homozygotes.

Submission:

CeGaT Center for Human Genetics Tuebingen
Classification: Likely benign. Last evaluated: 2024-06-01. Review status: criteria provided, single submitter. Criteria: CeGaT Center For Human Genetics Tuebingen Variant Classification Criteria Version 2. Collection method: clinical testing. Allele origin: germline. Affected: yes. Observed: 1 variant allele.
Comment: HOXC13: PM2:Supporting, BP4, BP7